The following is an entry in ClinVar:

NM_005334.3(HCFC1):c.2456C>G (p.Pro819Arg)

Gene: HCFC1 (host cell factor C1; minus strand). Cytogenetic location: Xq28.
Variant type: single nucleotide variant.
Coding change: c.2456C>G on transcript NM_005334.3 (MANE Select); coding-DNA position 2456, C replaced by G.
Protein change: p.Pro819Arg; replaces proline 819 with arginine.
Molecular consequence: missense variant.
Genome position (GRCh38, 1-based): chrX:153,956,958, G>C on the plus strand (C>G on the coding strand, the complement: HCFC1 is on the minus strand). VCF-style: chrX-153956958-G-C. GRCh37 (hg19) VCF-style: chrX-153222409-G-C.
Other names: c.2456C>G, p.Pro819Arg (NM_001410705.1); short protein forms P819R.
Identifiers: ClinVar variation 1810081 (VCV001810081.1), dbSNP rs2521604549, ClinGen allele CA415129725.

ClinVar aggregate classification (germline): Uncertain significance (1 of 4 stars; one submission).

Submission:

GeneDx
Classification: Uncertain significance. Last evaluated: 2022-06-28. Review status: criteria provided, single submitter. Criteria: GeneDx Variant Classification Process June 2021. Collection method: clinical testing. Allele origin: germline. Affected: yes.
Comment: Not observed at significant frequency in large population cohorts (gnomAD); In silico analysis supports that this missense variant has a deleterious effect on protein structure/function; Has not been previously published as pathogenic or benign to our knowledge